The following is an entry in ClinVar:

NM_020297.4(ABCC9):c.1012-9G>A

Gene: ABCC9 (ATP binding cassette subfamily C member 9; minus strand). Cytogenetic location: 12p12.1.
Variant type: single nucleotide variant.
Coding change: c.1012-9G>A on transcript NM_020297.4 (MANE Select); 9 bases into the intron before coding-DNA position 1012, G replaced by A.
Molecular consequence: intron variant.
Genome position (GRCh38, 1-based): chr12:21,910,987, C>T on the plus strand (G>A on the coding strand, the complement: ABCC9 is on the minus strand). VCF-style: chr12-21910987-C-T. GRCh37 (hg19) VCF-style: chr12-22063921-C-T.
Other names: c.148-9G>A (NM_001377274.1); c.1012-9G>A (NM_005691.4, NM_001377273.1).
Identifiers: ClinVar variation 999333 (VCV000999333.8), dbSNP rs1592213548, ClinGen allele CA2021332551.

ClinVar aggregate classification (germline): Uncertain significance (1 of 4 stars; one submission).

Conditions:
Dilated cardiomyopathy 1O (CMD1O). Also called: CARDIOMYOPATHY, DILATED, WITH VENTRICULAR TACHYCARDIA. Identifiers: Orphanet 154, MedGen C1837839, MONDO:0012062, OMIM 608569.

Submission:

Labcorp Genetics (formerly Invitae), Labcorp
Classification: Uncertain significance for Dilated cardiomyopathy 1O. Last evaluated: 2024-01-02. Review status: criteria provided, single submitter. Criteria: Invitae Variant Classification Sherloc (09022015). Collection method: clinical testing. Allele origin: germline.
Comment: This sequence change falls in intron 6 of the ABCC9 gene. It does not directly change the encoded amino acid sequence of the ABCC9 protein. This variant is not present in population databases (gnomAD no frequency). This variant has not been reported in the literature in individuals affected with ABCC9-related conditions. ClinVar contains an entry for this variant (Variation ID: 999333). Algorithms developed to predict the effect of sequence changes on RNA splicing suggest that this variant may disrupt the consensus splice site. In summary, the available evidence is currently insufficient to determine the role of this variant in disease. Therefore, it has been classified as a Variant of Uncertain Significance.